The following is an entry in ClinVar:

NM_002834.5(PTPN11):c.188_189delinsGC (p.Tyr63Cys)

Gene: PTPN11 (protein tyrosine phosphatase non-receptor type 11; plus strand). Cytogenetic location: 12q24.13.
Variant type: Indel.
Coding change: c.188_189delinsGC on transcript NM_002834.5 (MANE Select); coding-DNA positions 188 to 189, AT replaced by GC.
Protein change: p.Tyr63Cys; replaces tyrosine 63 with cysteine.
Molecular consequence: missense variant.
Genome position (GRCh38, 1-based): chr12:112,450,368-112,450,369, AT replaced by GC. VCF-style: chr12-112450368-AT-GC. GRCh37 (hg19) VCF-style: chr12-112888172-AT-GC.
Other names: c.188_189delinsGC, p.Tyr63Cys (NM_001330437.2, NM_080601.3); c.185_186delinsGC, p.Tyr62Cys (NM_001374625.1); short protein forms Y63C, Y62C.
Identifiers: ClinVar variation 372674 (VCV000372674.2), dbSNP rs1057517917, ClinGen allele CA16042834.

ClinVar aggregate classification (germline): Pathogenic (1 of 4 stars; one submission).

Submission:

GeneDx
Classification: Pathogenic. Last evaluated: 2015-09-16. Review status: criteria provided, single submitter. Criteria: GeneDx Variant Classification (06012015). Collection method: clinical testing. Allele origin: germline. Affected: yes.
Comment: To our knowledge, the c.188_189delATinsGC pathogenic variant in the PTPN11 gene has not been previously reported in association with a disorder in the Noonan syndrome spectrum. The c.188_189delATinsGC deletion/insertion causes a missense change at codon Tyrosine 63, changing this amino acid to a Cysteine residue, Y63C, which has been reported previously in association with autosomal dominant Noonan syndrome (Tartaglia et al., 2001). The Y63C pathogenic variant lies in the N-SH2 domain of the SHP2 protein encoded by PTPN11. This domain is the first of two sites involved in switching the protein between its inactive and active conformations. Functional studies demonstrated that Y63C perturbs the stability of the SHP2 protein in its inactive conformation and promotes a significant up-regulation in protein function (Martinelli et al., 2012). The c.188_189delATinsGC varaint was not observed in approximately 6,500 individuals of European and African American ancestry in the NHLBI Exome Sequencing Project, indicating it is not a common benign variant in these populations. It is a non-conservative amino acid substitution, which is likely to impact secondary protein structure as these residues differ in polarity, charge, size and/or other properties. This substitution occurs at a position that is conserved across species and in silico analysis predicts this variant is probably damaging to the protein structure/function. In addition, missense variants in nearby residues (N58D/H/K, T59A, G60S/C/A, D61N/H/A, Y62N/D/C) have been reported in the Human Gene Mutation Database in association with Noonan syndrome (Stenson et al., 2014), supporting the functional importance of this region of the protein. Therefore, the c.188_189delATinsGC variant is consistent with a diagnosis of a disorder in the Noonan syndrome spectrum.